The following is an entry in ClinVar:

NM_000218.3(KCNQ1):c.1911C>T (p.His637=)

Genes: KCNQ1 (potassium voltage-gated channel subfamily Q member 1; plus strand), KCNQ1-AS1 (KCNQ1 antisense RNA 1; minus strand). Cytogenetic location: 11p15.4.
Variant type: single nucleotide variant.
Coding change: c.1911C>T on transcript NM_000218.3 (MANE Select); coding-DNA position 1911, C replaced by T.
Protein change: p.His637=; no amino-acid change (histidine 637 retained).
Molecular consequence: synonymous variant.
Genome position (GRCh38, 1-based): chr11:2,847,883, C>T. VCF-style: chr11-2847883-C-T. GRCh37 (hg19) VCF-style: chr11-2869113-C-T.
Other names: c.1815C>T, p.His605= (NM_001406836.1); c.1641C>T, p.His547= (NM_001406837.1); c.1371C>T, p.His457= (NM_001406838.1); c.423C>T, p.His141= (NM_001406839.1); c.1530C>T, p.His510= (NM_181798.2).
Identifiers: ClinVar variation 1171960 (VCV001171960.9), dbSNP rs2134097230, ClinGen allele CA472466682.
Genomic context (GRCh38, chr11:2,847,883, plus strand): 5'-CTCCTTGCACGGTGGCAGCACCCCCGGCAGCGGCGGCCCCCCCAGAGAGGGCGGGGCCCA[C>T]ATCACCCAGCCCTGCGGCAGTGGCGGCTCCGTCGACCCTGAGCTCTTCCTGCCCAGCAAC-3'
Protein context (NP_000209.2, residues 627-647): SGGPPREGGA[His637=]ITQPCGSGGS

ClinVar aggregate classification (germline): Likely benign. Review status: criteria provided, multiple submitters, no conflicts (2 of 4 stars). 3 submissions from 3 submitters: Likely benign (3). Last evaluated 2024-07-20.

Conditions:
Long QT syndrome (LQTS). Identifiers: MedGen C0023976, MeSH D008133, MONDO:0002442. Disease mechanism: loss of function. Inheritance: Various modes of inheritance.
Cardiac arrhythmia. Also called: Cardiac rhythm disease; Arrhythmia. Identifiers: MedGen C0003811, MONDO:0007263, HP:0011675.

gnomAD v4.1: 2 of 1,582,062 alleles (0.00013%); highest among the groups gnomAD compares: Non-Finnish European, 0.00017%; no homozygotes.

Submissions (3):

All of Us Research Program, National Institutes of Health
Classification: Likely benign for Long QT syndrome. Last evaluated: 2024-07-20. Review status: criteria provided, single submitter. Criteria: ACMG Guidelines, 2015. Collection method: clinical testing. Allele origin: germline. Inheritance: Autosomal dominant inheritance. Observed: 1 variant allele, 1 heterozygote.
Comment: This study involves interpretation of variants in research participants for the purpose of population health screening. Participant phenotype was not available at the time of variant classification. Additional details can be found in publication PMID: 35346344, PMCID: PMC8962531

Labcorp Genetics (formerly Invitae), Labcorp
Classification: Likely benign for Long QT syndrome. Last evaluated: 2024-07-15. Review status: criteria provided, single submitter. Criteria: Invitae Variant Classification Sherloc (09022015). Collection method: clinical testing. Allele origin: germline.

Color Diagnostics, LLC DBA Color Health
Classification: Likely benign for Cardiac arrhythmia. Last evaluated: 2020-12-11. Review status: criteria provided, single submitter. Criteria: ACMG Guidelines, 2015. Collection method: clinical testing. Allele origin: germline.